The following is an entry in ClinVar:

NM_001184.4(ATR):c.1805A>G (p.His602Arg)

Gene: ATR (ATR serine/threonine kinase; minus strand). Cytogenetic location: 3q23.
Variant type: single nucleotide variant.
Coding change: c.1805A>G on transcript NM_001184.4 (MANE Select); coding-DNA position 1805, A replaced by G.
Protein change: p.His602Arg; replaces histidine 602 with arginine.
Molecular consequence: missense variant.
Genome position (GRCh38, 1-based): chr3:142,558,704, T>C on the plus strand (A>G on the coding strand, the complement: ATR is on the minus strand). VCF-style: chr3-142558704-T-C. GRCh37 (hg19) VCF-style: chr3-142277546-T-C.
Other names: c.1613A>G, p.His538Arg (NM_001354579.2); short protein forms H538R, H602R.
Identifiers: ClinVar variation 3462448 (VCV003462448.1).

ClinVar aggregate classification (germline): Uncertain significance (1 of 4 stars; one submission).

Conditions:
Inborn genetic diseases. Identifiers: MedGen C0950123, MeSH D030342.

Submission:

Ambry Genetics
Classification: Uncertain significance for Inborn genetic diseases. Last evaluated: 2024-07-25. Review status: criteria provided, single submitter. Criteria: Ambry Variant Classification Scheme 2023. Collection method: clinical testing. Allele origin: germline.
Comment: The p.H602R variant (also known as c.1805A>G), located in coding exon 8 of the ATR gene, results from an A to G substitution at nucleotide position 1805. The histidine at codon 602 is replaced by arginine, an amino acid with highly similar properties. This amino acid position is conserved. In addition, this alteration is predicted to be tolerated by in silico analysis. Based on the available evidence, the clinical significance of this variant remains unclear.